The following is an entry in ClinVar:

ClinVar aggregate classification (germline): Likely benign. Review status: criteria provided, multiple submitters, no conflicts (2 of 4 stars). 2 submissions from 2 submitters: Likely benign (2). Last evaluated 2023-02-24.

Conditions:
Cardiomyopathy (CMYO). Also called: Cardiomyopathies. Identifiers: Orphanet 167848, MedGen C0878544, MONDO:0004994, HP:0001638. Inheritance: Various modes of inheritance.
Hypertrophic cardiomyopathy. Also called: HYPERTROPHIC MYOCARDIOPATHY. Identifiers: Orphanet 217569, MedGen C0007194, MeSH D002312, MONDO:0005045, HP:0001639.

Allele frequency attached by ClinVar (database versions not stated): gnomAD exomes below 0.00001; gnomAD 0.00001.
gnomAD v4.1: 4 of 1,613,956 alleles (0.00025%); highest among the groups gnomAD compares: Non-Finnish European, 0.00034%; no homozygotes.

Submissions (2):

All of Us Research Program, National Institutes of Health
Classification: Likely benign for Cardiomyopathy. Last evaluated: 2023-02-24. Review status: criteria provided, single submitter. Criteria: ACMG Guidelines, 2015. Collection method: clinical testing. Allele origin: germline. Inheritance: Autosomal dominant inheritance. Observed: 1 variant allele, 1 heterozygote.
Comment: This study involves interpretation of variants in research participants for the purpose of population health screening. Participant phenotype was not available at the time of variant classification. Additional details can be found in publication PMID: 35346344, PMCID: PMC8962531

Labcorp Genetics (formerly Invitae), Labcorp
Classification: Likely benign for Hypertrophic cardiomyopathy. Last evaluated: 2022-01-26. Review status: criteria provided, single submitter. Criteria: Invitae Variant Classification Sherloc (09022015). Collection method: clinical testing. Allele origin: germline.

NM_000257.4(MYH7):c.843A>G (p.Arg281=)

Gene: MYH7 (myosin heavy chain 7; minus strand). Cytogenetic location: 14q11.2.
Variant type: single nucleotide variant.
Coding change: c.843A>G on transcript NM_000257.4 (MANE Select); coding-DNA position 843, A replaced by G.
Protein change: p.Arg281=; no amino-acid change (arginine 281 retained).
Molecular consequence: synonymous variant.
Genome position (GRCh38, 1-based): chr14:23,430,953, T>C on the plus strand (A>G on the coding strand, the complement: MYH7 is on the minus strand). VCF-style: chr14-23430953-T-C. GRCh37 (hg19) VCF-style: chr14-23900162-T-C.
Other names: c.843A>G, p.Arg281= (NM_001407004.1).
Identifiers: ClinVar variation 2089979 (VCV002089979.5), dbSNP rs1376576664, ClinGen allele CA485626201.